The following is an entry in ClinVar:

ClinVar aggregate classification (germline): Benign. Review status: criteria provided, multiple submitters, no conflicts (2 of 4 stars). 21 submissions from 21 submitters: Benign (13). 8 of the submissions do not count toward it. Last evaluated 2026-02-04.

Conditions:
APC-Associated Polyposis Disorders.
Hereditary cancer-predisposing syndrome. Also called: Neoplastic Syndromes, Hereditary; Tumor predisposition; Hereditary Cancer Syndrome; Hereditary neoplastic syndrome. Identifiers: Orphanet 140162, MedGen C0027672, MeSH D009386, MONDO:0015356.
Familial adenomatous polyposis 1 (FAP1). Also called: FAMILIAL ADENOMATOUS POLYPOSIS 1, ATTENUATED; POLYPOSIS, ADENOMATOUS INTESTINAL. Identifiers: MedGen C2713442, MONDO:0021056, OMIM 175100. Disease mechanism: loss of function.
Carcinoma of colon (CRC). Also called: Colonic carcinoma; Colon carcinoma. Identifiers: MedGen C0699790, MONDO:0002032.
Familial colorectal cancer. Identifiers: MedGen CN280943, MONDO:0023113. Disease mechanism: loss of function.

Allele frequency attached by ClinVar (database versions not stated): ESP Exome Variant Server 0.00300; gnomAD exomes 0.00337 and 0.00797; gnomAD 0.00510 and 0.00585; TOPMed 0.00631; 1000 Genomes Project 30x 0.01889; 1000 Genomes Project 0.01957; ExAC 0.01052.
gnomAD v4.1: 5,858 of 1,602,474 alleles (0.37%); highest among the groups gnomAD compares: East Asian, 6.6%; 128 homozygotes.

Submissions (21):

Labcorp Genetics (formerly Invitae), Labcorp
Classification: Benign for Familial adenomatous polyposis 1. Last evaluated: 2026-02-04. Review status: criteria provided, single submitter. Criteria: Invitae Variant Classification Sherloc (09022015). Collection method: clinical testing. Allele origin: germline.

Dasa
Classification: Benign. Last evaluated: 2025-12-10. Review status: criteria provided, single submitter. Criteria: DASA Assertion Criteria. Collection method: clinical testing. Allele origin: germline.
Comment: NM_000038.6(APC):c.1958+8T>C is a splice-region variant. Population frequency is inconsistent with a disease-causing role for this variant, and observations in unaffected individuals support a benign interpretation. Computational prediction algorithms are consistent with a benign effect. Therefore, based on the currently available evidence, this variant is classified as benign.

ARUP Laboratories, Molecular Genetics and Genomics, ARUP Laboratories
Classification: Benign. Last evaluated: 2025-07-09. Review status: criteria provided, single submitter. Criteria: ARUP Molecular Germline Variant Investigation Process 2024. Collection method: clinical testing. Allele origin: germline.

Center for Genomic Medicine, Rigshospitalet, Copenhagen University Hospital
Classification: Benign. Last evaluated: 2025-03-04. Review status: criteria provided, single submitter. Criteria: ACMG Guidelines, 2015. Collection method: clinical testing. Allele origin: germline.

Blueprint Genetics
Classification: Benign. Last evaluated: 2024-11-22. Review status: criteria provided, single submitter. Criteria: ACMG Guidelines, 2015. Collection method: clinical testing. Allele origin: germline.

Myriad Genetics, Inc.
Classification: Benign for Familial adenomatous polyposis 1. Last evaluated: 2024-03-07. Review status: criteria provided, single submitter. Criteria: Myriad Autosomal Dominant, Autosomal Recessive and X-Linked Classification Criteria (2023). Collection method: clinical testing. Allele origin: unknown.
Comment: This variant is considered benign. This variant is intronic and is not expected to impact mRNA splicing. This variant has been observed at a population frequency that is significantly greater than expected given the associated disease prevalence and penetrance.

KCCC/NGS Laboratory, Kuwait Cancer Control Center
Classification: Benign for Familial adenomatous polyposis 1. Last evaluated: 2023-07-07. Review status: criteria provided, single submitter. Criteria: ACMG Guidelines, 2015. Collection method: clinical testing. Allele origin: germline. Affected: yes.

Institute for Biomarker Research, Medical Diagnostic Laboratories, L.L.C.
Classification: Benign for Hereditary cancer-predisposing syndrome. Last evaluated: 2022-11-22. Review status: criteria provided, single submitter. Criteria: ACMG Guidelines, 2015. Collection method: clinical testing. Allele origin: germline.

Illumina Laboratory Services, Illumina
Classification: Benign for APC-Associated Polyposis Disorders. Last evaluated: 2018-01-13. Review status: criteria provided, single submitter. Criteria: ICSL Variant Classification Criteria 13 December 2019. Collection method: clinical testing. Allele origin: germline.
Comment: This variant was observed in the ICSL laboratory as part of a predisposition screen in an ostensibly healthy population. It had not been previously curated by ICSL or reported in the Human Gene Mutation Database (HGMD: prior to June 1st, 2018), and was therefore a candidate for classification through an automated scoring system. Utilizing variant allele frequency, disease prevalence and penetrance estimates, and inheritance mode, an automated score was calculated to assess if this variant is too frequent to cause the disease. Based on the score and internal cut-off values, a variant classified as benign is not then subjected to further curation. The score for this variant resulted in a classification of benign for this disease.

Color Diagnostics, LLC DBA Color Health
Classification: Benign for Hereditary cancer-predisposing syndrome. Last evaluated: 2016-03-21. Review status: criteria provided, single submitter. Criteria: ACMG Guidelines, 2015. Collection method: clinical testing. Allele origin: germline.

GeneDx
Classification: Benign. Last evaluated: 2015-03-03. Review status: criteria provided, single submitter. Criteria: GeneDx Variant Classification Process June 2021. Collection method: clinical testing. Allele origin: germline. Affected: yes.

Eurofins Ntd Llc (ga)
Classification: Benign. Last evaluated: 2012-10-26. Review status: criteria provided, single submitter. Criteria: EGL Classification Definitions 2015. Collection method: clinical testing. Allele origin: germline. Observed: 1 variant allele, 1 heterozygote.

PreventionGenetics, part of Exact Sciences
Classification: Benign. Review status: criteria provided, single submitter. Criteria: ACMG Guidelines, 2015. Collection method: clinical testing. Allele origin: germline.

True Health Diagnostics
Classification: Likely benign for Hereditary cancer-predisposing syndrome. Last evaluated: 2017-09-29. Review status: no assertion criteria provided. Collection method: clinical testing. Allele origin: germline. Not counted in ClinVar's aggregate classification.

Clinical Genetics, Academic Medical Center
Classification: Benign. Review status: no assertion criteria provided. Collection method: clinical testing. Allele origin: germline. Affected: yes. Study: VKGL Data-share Consensus. Not counted in ClinVar's aggregate classification.

Department of Pathology and Laboratory Medicine, Sinai Health System
Classification: Benign for Carcinoma of colon. Review status: no assertion criteria provided. Collection method: clinical testing. Allele origin: unknown. Affected: yes. Study: The Canadian Open Genetics Repository (COGR). Not counted in ClinVar's aggregate classification.
Comment: The c.1958+8T>C variant has been reported once in the InSiGHT database in an individual with familial adenomatous polyposis. It is listed in the dbSNP database (rs#:62626346) and reported from the 1000 genomes project (frequency: 0.026) and in a Chinese and Japanese cohort (frequency: 0.067) as well as the exome variant server as a low frequency variant increasing the likelihood this variant does not have clinical significance. The variant is located in the 5' splice region but does not affect the highly conserved +1 and +2 positions. In summary, based on above information this variant meets our laboratory's criteria to be classified benign.

Genome Diagnostics Laboratory, Amsterdam University Medical Center
Classification: Benign. Review status: no assertion criteria provided. Collection method: clinical testing. Allele origin: germline. Affected: yes. Study: VKGL Data-share Consensus. Not counted in ClinVar's aggregate classification.

Joint Genome Diagnostic Labs from Nijmegen and Maastricht, Radboudumc and MUMC+
Classification: Benign. Review status: no assertion criteria provided. Collection method: clinical testing. Allele origin: germline. Affected: yes. Study: VKGL Data-share Consensus. Not counted in ClinVar's aggregate classification.

Laboratory of Diagnostic Genome Analysis, Leiden University Medical Center (LUMC)
Classification: Benign. Review status: no assertion criteria provided. Collection method: clinical testing. Allele origin: germline. Affected: yes. Study: VKGL Data-share Consensus. Not counted in ClinVar's aggregate classification.

Mayo Clinic Laboratories, Mayo Clinic
Classification: Benign. Review status: no assertion criteria provided. Collection method: clinical testing. Allele origin: unknown. Not counted in ClinVar's aggregate classification.

Systems Biology Platform Zhejiang California International NanoSystems Institute
Classification: other for Familial colorectal cancer. Review status: no assertion criteria provided. Collection method: not provided. Allele origin: unknown. Not counted in ClinVar's aggregate classification.
ClinVar note: Converted during submission from cancer to other.

NM_000038.6(APC):c.1958+8T>C

Gene: APC (APC regulator of Wnt signaling pathway; plus strand). Cytogenetic location: 5q22.2.
Variant type: single nucleotide variant.
Coding change: c.1958+8T>C on transcript NM_000038.6 (MANE Select); 8 bases into the intron after coding-DNA position 1958, T replaced by C.
Molecular consequence: intron variant.
Genome position (GRCh38, 1-based): chr5:112,835,173, T>C. VCF-style: chr5-112835173-T-C. GRCh37 (hg19) VCF-style: chr5-112170870-T-C.
Other names: CCDS4107.1:c.1958+8T>C; c.1958+8T>C (NM_001354895.2, NM_001127510.3); c.1988+8T>C (NM_001354897.2); c.1685+8T>C (NM_001354902.2); c.1904+8T>C (NM_001127511.3); c.1883+8T>C (NM_001354898.2); c.1580+8T>C (NM_001354904.2); c.1109+8T>C (NM_001354906.2); and 6 more.
Identifiers: ClinVar variation 82616 (VCV000082616.54), dbSNP rs62626346, ClinGen allele CA006765.